The following is an entry in ClinVar:

ClinVar aggregate classification (germline): Uncertain significance (1 of 4 stars; one submission).

Allele frequency attached by ClinVar (database versions not stated): gnomAD exomes below 0.00001.
gnomAD v4.1: 1 of 1,614,186 alleles (0.000062%); highest among the groups gnomAD compares: East Asian, 0.0022%; no homozygotes.

Submission:

Labcorp Genetics (formerly Invitae), Labcorp
Classification: Uncertain significance. Last evaluated: 2021-02-05. Review status: criteria provided, single submitter. Criteria: Invitae Variant Classification Sherloc (09022015). Collection method: clinical testing. Allele origin: germline.
Comment: In summary, the available evidence is currently insufficient to determine the role of this variant in disease. Therefore, it has been classified as a Variant of Uncertain Significance. Algorithms developed to predict the effect of missense changes on protein structure and function (SIFT, PolyPhen-2, Align-GVGD) all suggest that this variant is likely to be tolerated, but these predictions have not been confirmed by published functional studies and their clinical significance is uncertain. This variant has not been reported in the literature in individuals with POLE-related conditions. This variant is not present in population databases (ExAC no frequency). This sequence change replaces threonine with isoleucine at codon 354 of the POLE protein (p.Thr354Ile). The threonine residue is moderately conserved and there is a moderate physicochemical difference between threonine and isoleucine.

NM_006231.4(POLE):c.1061C>T (p.Thr354Ile)

Gene: POLE (DNA polymerase epsilon, catalytic subunit; minus strand). Cytogenetic location: 12q24.33.
Variant type: single nucleotide variant.
Coding change: c.1061C>T on transcript NM_006231.4 (MANE Select); coding-DNA position 1061, C replaced by T.
Protein change: p.Thr354Ile; replaces threonine 354 with isoleucine.
Molecular consequence: missense variant.
Genome position (GRCh38, 1-based): chr12:132,675,780, G>A on the plus strand (C>T on the coding strand, the complement: POLE is on the minus strand). VCF-style: chr12-132675780-G-A. GRCh37 (hg19) VCF-style: chr12-133252366-G-A.
Other names: short protein forms T354I.
Identifiers: ClinVar variation 1407493 (VCV001407493.8), dbSNP rs2136011496, ClinGen allele CA387361554.